The following is an entry in ClinVar:

ClinVar aggregate classification (germline): Uncertain significance (1 of 4 stars; one submission).

gnomAD v4.1: 3 of 1,613,598 alleles (0.00019%); highest among the groups gnomAD compares: Non-Finnish European, 0.00017%; no homozygotes.

Submission:

Labcorp Genetics (formerly Invitae), Labcorp
Classification: Uncertain significance. Last evaluated: 2025-06-12. Review status: criteria provided, single submitter. Criteria: Invitae Variant Classification Sherloc (09022015). Collection method: clinical testing. Allele origin: germline.
Comment: This sequence change replaces threonine, which is neutral and polar, with isoleucine, which is neutral and non-polar, at codon 504 of the SLC22A4 protein (p.Thr504Ile). This variant is not present in population databases (gnomAD no frequency). This variant has not been reported in the literature in individuals affected with SLC22A4-related conditions. ClinVar contains an entry for this variant (Variation ID: 1958800). Invitae Evidence Modeling of protein sequence and biophysical properties (such as structural, functional, and spatial information, amino acid conservation, physicochemical variation, residue mobility, and thermodynamic stability) indicates that this missense variant is not expected to disrupt SLC22A4 protein function with a negative predictive value of 80%. In summary, the available evidence is currently insufficient to determine the role of this variant in disease. Therefore, it has been classified as a Variant of Uncertain Significance.

NM_003059.3(SLC22A4):c.1511C>T (p.Thr504Ile)

Genes: MIR3936HG (MIR3936 host gene; minus strand), SLC22A4 (solute carrier family 22 member 4; plus strand). Cytogenetic location: 5q31.1.
Variant type: single nucleotide variant.
Coding change: c.1511C>T on transcript NM_003059.3 (MANE Select); coding-DNA position 1511, C replaced by T.
Protein change: p.Thr504Ile; replaces threonine 504 with isoleucine.
Molecular consequence: missense variant.
Genome position (GRCh38, 1-based): chr5:132,340,631, C>T. VCF-style: chr5-132340631-C-T. GRCh37 (hg19) VCF-style: chr5-131676324-C-T.
Other names: short protein forms T504I.
Identifiers: ClinVar variation 1958800 (VCV001958800.5), dbSNP rs1751186953, ClinGen allele CA360813172.